The following is an entry in ClinVar:

NM_001159773.2(CANT1):c.1172G>A (p.Gly391Glu)

Gene: CANT1 (calcium activated nucleotidase 1; minus strand). Cytogenetic location: 17q25.3.
Variant type: single nucleotide variant.
Coding change: c.1172G>A on transcript NM_001159773.2 (MANE Select); coding-DNA position 1172, G replaced by A.
Protein change: p.Gly391Glu; replaces glycine 391 with glutamic acid.
Molecular consequence: missense variant.
Genome position (GRCh38, 1-based): chr17:78,993,584, C>T on the plus strand (G>A on the coding strand, the complement: CANT1 is on the minus strand). VCF-style: chr17-78993584-C-T. GRCh37 (hg19) VCF-style: chr17-76989666-C-T.
Other names: p.Gly391Glu; c.1172G>A, p.Gly391Glu (NM_001159772.2, NM_138793.4); short protein forms G391E.
Identifiers: ClinVar variation 379568 (VCV000379568.29), dbSNP rs34082669, ClinGen allele CA8808495.

ClinVar aggregate classification (germline): Conflicting classifications of pathogenicity. Review status: criteria provided, conflicting classifications (1 of 4 stars). 7 submissions from 7 submitters: Uncertain significance (2); Benign (1); Likely benign (3). 1 of the submissions does not count toward it. Last evaluated 2026-01-28.

Conditions:
Desbuquois dysplasia 1 (DBQD1). Also called: MICROMELIC DWARFISM WITH VERTEBRAL AND METAPHYSEAL ABNORMALITIES AND ADVANCED CARPOTARSAL OSSIFICATION; DESBUQUOIS DYSPLASIA 1, KIM VARIANT. Identifiers: Orphanet 1425, MedGen C4012146, MONDO:0009629, OMIM 251450.
CANT1-related disorder. Also called: CANT1-related condition.

Allele frequency attached by ClinVar (database versions not stated): 1000 Genomes Project 0.00100; 1000 Genomes Project 30x 0.00109; TOPMed 0.00229; gnomAD exomes 0.00233 and 0.00358; ESP Exome Variant Server 0.00254; gnomAD 0.00260 and 0.00268; ExAC 0.00280.

Submissions (7):

Labcorp Genetics (formerly Invitae), Labcorp
Classification: Benign. Last evaluated: 2026-01-28. Review status: criteria provided, single submitter. Criteria: Invitae Variant Classification Sherloc (09022015). Collection method: clinical testing. Allele origin: germline.

Mayo Clinic Laboratories, Mayo Clinic
Classification: Likely benign. Last evaluated: 2024-12-24. Review status: criteria provided, single submitter. Criteria: ACMG Guidelines, 2015. Collection method: clinical testing. Allele origin: germline. Observed: 1 variant allele.
Comment: BS1, BS2

Blueprint Genetics
Classification: Likely benign. Last evaluated: 2024-11-18. Review status: criteria provided, single submitter. Criteria: ACMG Guidelines, 2015. Collection method: clinical testing. Allele origin: germline.

ARUP Laboratories, Molecular Genetics and Genomics, ARUP Laboratories
Classification: Uncertain significance. Last evaluated: 2024-02-16. Review status: criteria provided, single submitter. Criteria: ARUP Molecular Germline Variant Investigation Process 2024. Collection method: clinical testing. Allele origin: germline.
Comment: The CANT1 c.1172G>A; p.Gly391Glu variant (rs34082669), to our knowledge, is not reported in the medical literature but is reported in ClinVar (Variation ID: 379568). This variant is found in the general population with an overall allele frequency of 0.23% (663/282882 alleles, including a single homozygote) in the Genome Aggregation Database (v2.1.1). The glycine at codon 391 is highly conserved, but computational analyses are uncertain whether this variant is neutral or deleterious (REVEL: 0.530). Due to limited information, the clinical significance of the p.Gly391Glu variant is uncertain at this time.

Illumina Laboratory Services, Illumina
Classification: Likely benign for Desbuquois dysplasia 1. Last evaluated: 2018-01-13. Review status: criteria provided, single submitter. Criteria: ICSL Variant Classification Criteria 13 December 2019. Collection method: clinical testing. Allele origin: germline.
Comment: This variant was observed in the ICSL laboratory as part of a predisposition screen in an ostensibly healthy population. It had not been previously curated by ICSL or reported in the Human Gene Mutation Database (HGMD: prior to June 1st, 2018), and was therefore a candidate for classification through an automated scoring system. Utilizing variant allele frequency, disease prevalence and penetrance estimates, and inheritance mode, an automated score was calculated to assess if this variant is too frequent to cause the disease. Based on the score and internal cut-off values, a variant classified as likely benign is not then subjected to further curation. The score for this variant resulted in a classification of likely benign for this disease.

GeneDx
Classification: Uncertain significance. Last evaluated: 2017-01-19. Review status: criteria provided, single submitter. Criteria: GeneDx Variant Classification (06012015). Collection method: clinical testing. Allele origin: germline. Affected: yes.
Comment: The G391E variant in the CANT gene has not been reported previously as a pathogenic variant, nor as a benign variant, to our knowledge. Although not reported in the homozygous state, the NHLBI ESP Exome Sequencing Project reports G391E was observed in 0.37% (32/8600 alleles) from individuals of European American background, indicating it may be a rare variant in this population. The G391E variant is a non-conservative amino acid substitution, which is likely to impact secondary protein structure as these residues differ in polarity, charge, size and/or other properties. This substitution occurs at a position where amino acids with similar properties to Glycine are tolerated across species. In silico analysis predicts this variant is probably damaging to the protein structure/function. We interpret G391E as a variant of uncertain significance.

PreventionGenetics, part of Exact Sciences
Classification: Likely benign for CANT1-related condition. Last evaluated: 2023-01-11. Review status: no assertion criteria provided. Collection method: clinical testing. Allele origin: germline. Not counted in ClinVar's aggregate classification.
Comment: This variant is classified as likely benign based on ACMG/AMP sequence variant interpretation guidelines (Richards et al. 2015 PMID: 25741868, with internal and published modifications).